The following is an entry in ClinVar:

ClinVar aggregate classification (germline): Likely pathogenic (1 of 4 stars; one submission).

Conditions:
Bloom syndrome (BLM). Also called: Bloom-Torre-Machacek syndrome. Identifiers: Orphanet 125, MedGen C0005859, MONDO:0008876, OMIM 210900.

Submission:

Juno Genomics, Hangzhou Juno Genomics, Inc
Classification: Likely pathogenic for Bloom syndrome. Review status: criteria provided, single submitter. Criteria: ACMG Guidelines, 2015. Collection method: clinical testing. Allele origin: germline.
Comment: Absent from controls (or at extremely low frequency if recessive) in Genome Aggregation Database.;Null variant in a gene where loss of function (LOF) is a known mechanism of disease.

NM_000057.4(BLM):c.1126del (p.Met376fs)

Gene: BLM (BLM RecQ like helicase; plus strand). Cytogenetic location: 15q26.1.
Variant type: Deletion.
Coding change: c.1126del on transcript NM_000057.4 (MANE Select); coding-DNA position 1126, one base deleted (A; older notation c.1126delA).
Protein change: p.Met376fs; shifts the reading frame from methionine 376.
Molecular consequence: frameshift variant. On other transcripts: initiator codon variant (1).
Genome position (GRCh38, 1-based): chr15:90,760,185, A deleted. VCF-style (leftmost placement, unchanged base first): chr15-90760184-GA-G. GRCh37 (hg19) VCF-style: chr15-91303414-GA-G.
Other names: c.1126del, p.Met376fs (NM_001287247.2, NM_001287246.2); c.1del, p.Met1fs (NM_001287248.2); short protein forms M1fs, M376fs.
Identifiers: ClinVar variation 5019120 (VCV005019120.2).